The following is an entry in ClinVar:

ClinVar aggregate classification (germline): Uncertain significance (1 of 4 stars; one submission).

Conditions:
Maple syrup urine disease (MSUD). Identifiers: Orphanet 511, MedGen C0024776, MeSH D008375, MONDO:0009563. Disease mechanism: loss of function.

Allele frequency attached by ClinVar (database versions not stated): ExAC 0.00001; gnomAD 0.00002; gnomAD exomes 0.00002; TOPMed 0.00002; 1000 Genomes Project 30x 0.00016; 1000 Genomes Project 0.00020.
gnomAD v4.1: 32 of 1,614,072 alleles (0.002%); highest among the groups gnomAD compares: East Asian, 0.025%; no homozygotes.

Submission:

Labcorp Genetics (formerly Invitae), Labcorp
Classification: Uncertain significance for Maple syrup urine disease. Last evaluated: 2025-08-21. Review status: criteria provided, single submitter. Criteria: Invitae Variant Classification Sherloc (09022015). Collection method: clinical testing. Allele origin: germline.
Comment: This sequence change replaces arginine, which is basic and polar, with cysteine, which is neutral and slightly polar, at codon 429 of the BCKDHA protein (p.Arg429Cys). This variant is present in population databases (rs575301306, gnomAD 0.002%). This variant has not been reported in the literature in individuals affected with BCKDHA-related conditions. ClinVar contains an entry for this variant (Variation ID: 2199717). Invitae Evidence Modeling of protein sequence and biophysical properties (such as structural, functional, and spatial information, amino acid conservation, physicochemical variation, residue mobility, and thermodynamic stability) has been performed for this missense variant. However, the output from this modeling did not meet the statistical confidence thresholds required to predict the impact of this variant on BCKDHA protein function. In summary, the available evidence is currently insufficient to determine the role of this variant in disease. Therefore, it has been classified as a Variant of Uncertain Significance.

NM_000709.4(BCKDHA):c.1285C>T (p.Arg429Cys)

Gene: BCKDHA (branched chain keto acid dehydrogenase E1 subunit alpha; plus strand). Cytogenetic location: 19q13.2.
Variant type: single nucleotide variant.
Coding change: c.1285C>T on transcript NM_000709.4 (MANE Select); coding-DNA position 1285, C replaced by T.
Protein change: p.Arg429Cys; replaces arginine 429 with cysteine.
Molecular consequence: missense variant.
Genome position (GRCh38, 1-based): chr19:41,424,555, C>T. VCF-style: chr19-41424555-C-T. GRCh37 (hg19) VCF-style: chr19-41930460-C-T.
Other names: c.1282C>T, p.Arg428Cys (NM_001164783.2); short protein forms R428C, R429C.
Identifiers: ClinVar variation 2199717 (VCV002199717.2), dbSNP rs575301306, ClinGen allele CA9461421.